The following is an entry in ClinVar:

ClinVar aggregate classification (germline): Uncertain significance. Review status: criteria provided, single submitter (1 of 4 stars). 2 submissions from 2 submitters: Uncertain significance (1). 1 of the submissions does not count toward it. Last evaluated 2023-11-20.

Conditions:
Wilson disease (WND). Also called: Wilson's disease. Identifiers: Orphanet 905, MedGen C0019202, MONDO:0010200, OMIM 277900. Disease mechanism: loss of function.

Submissions (2):

All of Us Research Program, National Institutes of Health
Classification: Uncertain significance for Wilson disease. Last evaluated: 2023-11-20. Review status: criteria provided, single submitter. Criteria: ACMG Guidelines, 2015. Collection method: clinical testing. Allele origin: germline. Inheritance: Autosomal recessive inheritance. Observed: 1 variant allele, 1 heterozygote.
Comment: This missense variant replaces proline with leucine at codon 1352 of the ATP7B protein. Computational prediction suggests that this variant may have deleterious impact on protein structure and function (internally defined REVEL score threshold >= 0.7, PMID: 27666373). This variant alters a conserved proline residue in the transmembrane M6 domain of the ATP7B protein (a.a 1352 - 1375), a highly conserved region that is considered to be important for ATP7B protein function (PMID: 35245129; ClinVar). To our knowledge, functional studies have not been reported for this variant. This variant has not been reported in individuals affected with ATP7B-related disorders in the literature. This variant has not been identified in the general population by the Genome Aggregation Database (gnomAD). The available evidence is insufficient to determine the role of this variant in disease conclusively. Therefore, this variant is classified as a Variant of Uncertain Significance.

This study involves interpretation of variants in research participants for the purpose of population health screening. Participant phenotype was not available at the time of variant classification. Additional details can be found in publication PMID: 35346344, PMCID: PMC8962531

Natera, Inc.
Classification: Uncertain significance for Wilson disease. Last evaluated: 2025-01-22. Review status: no assertion criteria provided. Collection method: clinical testing. Allele origin: germline. Not counted in ClinVar's aggregate classification.

Literature cited by the submitters: PubMed 35245129 (cited by All of Us Research Program, National Institutes of Health).

NM_000053.4(ATP7B):c.4055C>T (p.Pro1352Leu)

Gene: ATP7B (ATPase copper transporting beta; minus strand). Cytogenetic location: 13q14.3.
Variant type: single nucleotide variant.
Coding change: c.4055C>T on transcript NM_000053.4 (MANE Select); coding-DNA position 4055, C replaced by T.
Protein change: p.Pro1352Leu; replaces proline 1352 with leucine.
Molecular consequence: missense variant.
Genome position (GRCh38, 1-based): chr13:51,935,662, G>A on the plus strand (C>T on the coding strand, the complement: ATP7B is on the minus strand). VCF-style: chr13-51935662-G-A. GRCh37 (hg19) VCF-style: chr13-52509798-G-A.
Other names: c.3434C>T, p.Pro1145Leu (NM_001005918.3); c.3473C>T, p.Pro1158Leu (NM_001406544.1); c.3407C>T, p.Pro1136Leu (NM_001406545.1); c.3374C>T, p.Pro1125Leu (NM_001406546.1); c.3212C>T, p.Pro1071Leu (NM_001406547.1); c.2765C>T, p.Pro922Leu (NM_001406548.1); c.3722C>T, p.Pro1241Leu (NM_001243182.2); c.3821C>T, p.Pro1274Leu (NM_001330578.2, NM_001406527.1, NM_001406528.1); and 22 more; short protein forms P1071L, P1125L, P1136L, P1145L, P1158L, P1188L, P1190L, P1203L.
Identifiers: ClinVar variation 3074477 (VCV003074477.2), dbSNP rs113468879, ClinGen allele CA250072141.